The following is an entry in ClinVar:

ClinVar aggregate classification (germline): Uncertain significance (1 of 4 stars; one submission).

Conditions:
ACTH-independent macronodular adrenal hyperplasia 2. Also called: PRIMARY MACRONODULAR ADRENAL HYPERPLASIA. Identifiers: Orphanet 189427, MedGen C4014803, MONDO:0014416, OMIM 615954.

Allele frequency attached by ClinVar (database versions not stated): ExAC below 0.00001; gnomAD exomes below 0.00001 and 0.00001; gnomAD 0.00001; TOPMed 0.00001.
gnomAD v4.1: 7 of 1,563,670 alleles (0.00045%); highest among the groups gnomAD compares: Non-Finnish European, 0.00061%; no homozygotes.

Submission:

Baylor Genetics
Classification: Uncertain significance for ACTH-independent macronodular adrenal hyperplasia 2. Last evaluated: 2018-02-09. Review status: criteria provided, single submitter. Criteria: ACMG Guidelines, 2015. Collection method: clinical testing. Allele origin: paternal. Affected: yes.
Comment: This variant was determined to be of uncertain significance according to ACMG Guidelines, 2015 [PMID:25741868].

NM_001105247.2(ARMC5):c.2657G>A (p.Arg886His)

Gene: ARMC5 (armadillo repeat containing 5; plus strand). Cytogenetic location: 16p11.2.
Variant type: single nucleotide variant.
Coding change: c.2657G>A on transcript NM_001105247.2 (MANE Select); coding-DNA position 2657, G replaced by A.
Protein change: p.Arg886His; replaces arginine 886 with histidine.
Molecular consequence: missense variant. On other transcripts: 3 prime UTR variant (1).
Genome position (GRCh38, 1-based): chr16:31,466,738, G>A. VCF-style: chr16-31466738-G-A. GRCh37 (hg19) VCF-style: chr16-31478059-G-A.
Other names: c.2942G>A, p.Arg981His (NM_001288767.2); c.2753G>A, p.Arg918His (NM_001301820.1); c.*1537G>A (NM_024742.2); short protein forms R886H, R981H, R918H.
Identifiers: ClinVar variation 1032626 (VCV001032626.1), dbSNP rs752232472, ClinGen allele CA8030067.